The following is an entry in ClinVar:

NM_000038.6(APC):c.7663T>G (p.Ser2555Ala)

Gene: APC (APC regulator of Wnt signaling pathway; plus strand). Cytogenetic location: 5q22.2.
Variant type: single nucleotide variant.
Coding change: c.7663T>G on transcript NM_000038.6 (MANE Select); coding-DNA position 7663, T replaced by G.
Protein change: p.Ser2555Ala; replaces serine 2555 with alanine.
Molecular consequence: missense variant.
Genome position (GRCh38, 1-based): chr5:112,843,257, T>G. VCF-style: chr5-112843257-T-G. GRCh37 (hg19) VCF-style: chr5-112178954-T-G.
Other names: c.7663T>G, p.Ser2555Ala (NM_001127510.3, NM_001354895.2, NM_001407450.1); c.7609T>G, p.Ser2537Ala (NM_001127511.3); c.7717T>G, p.Ser2573Ala (NM_001354896.2, NM_001407447.1, NM_001407448.1 and 1 more transcripts); c.7693T>G, p.Ser2565Ala (NM_001354897.2); c.7588T>G, p.Ser2530Ala (NM_001354898.2); c.7579T>G, p.Ser2527Ala (NM_001354899.2); c.7540T>G, p.Ser2514Ala (NM_001354900.2); c.7486T>G, p.Ser2496Ala (NM_001354901.2, NM_001407453.1); and 11 more; short protein forms S2426A, S2527A, S2545A, S2573A, S2537A, S2548A, S2555A, S2429A.
Identifiers: ClinVar variation 1760043 (VCV001760043.5), dbSNP rs370581125, ClinGen allele CA16037981.
Genomic context (GRCh38, chr5:112,843,257, plus strand): 5'-AGTCCTTCTAGACTTCCAATCAATAGGTCAGGAACCTGGAAACGTGAGCACAGCAAACAT[T>G]CATCATCCCTTCCTCGAGTAAGCACTTGGAGAAGAACTGGAAGTTCATCTTCAATTCTTT-3'
Protein context (NP_000029.2, residues 2545-2565): GTWKREHSKH[Ser2555Ala]SSLPRVSTWR

ClinVar aggregate classification (germline): Uncertain significance. Review status: criteria provided, multiple submitters, no conflicts (2 of 4 stars). 2 submissions from 2 submitters: Uncertain significance (2). Last evaluated 2023-01-24.

Conditions:
Hereditary cancer-predisposing syndrome. Also called: Neoplastic Syndromes, Hereditary; Tumor predisposition; Hereditary Cancer Syndrome; Hereditary neoplastic syndrome. Identifiers: Orphanet 140162, MedGen C0027672, MeSH D009386, MONDO:0015356.
Familial adenomatous polyposis 1 (FAP1). Also called: FAMILIAL ADENOMATOUS POLYPOSIS 1, ATTENUATED; POLYPOSIS, ADENOMATOUS INTESTINAL. Identifiers: MedGen C2713442, MONDO:0021056, OMIM 175100. Disease mechanism: loss of function.

Submissions (2):

Labcorp Genetics (formerly Invitae), Labcorp
Classification: Uncertain significance for Familial adenomatous polyposis 1. Last evaluated: 2023-01-24. Review status: criteria provided, single submitter. Criteria: Invitae Variant Classification Sherloc (09022015). Collection method: clinical testing. Allele origin: germline.
Comment: ClinVar contains an entry for this variant (Variation ID: 1760043). This variant has not been reported in the literature in individuals affected with APC-related conditions. This variant is not present in population databases (gnomAD no frequency). This sequence change replaces serine, which is neutral and polar, with alanine, which is neutral and non-polar, at codon 2555 of the APC protein (p.Ser2555Ala). Advanced modeling of protein sequence and biophysical properties (such as structural, functional, and spatial information, amino acid conservation, physicochemical variation, residue mobility, and thermodynamic stability) performed at Invitae indicates that this missense variant is not expected to disrupt APC protein function. In summary, the available evidence is currently insufficient to determine the role of this variant in disease. Therefore, it has been classified as a Variant of Uncertain Significance.

Ambry Genetics
Classification: Uncertain significance for Hereditary cancer-predisposing syndrome. Last evaluated: 2022-10-17. Review status: criteria provided, single submitter. Criteria: Ambry Variant Classification Scheme 2023. Collection method: clinical testing. Allele origin: germline.
Comment: The p.S2555A variant (also known as c.7663T>G), located in coding exon 15 of the APC gene, results from a T to G substitution at nucleotide position 7663. The serine at codon 2555 is replaced by alanine, an amino acid with similar properties. This amino acid position is highly conserved in available vertebrate species. In addition, in silico predictors for this gene do not accurately predict pathogenicity. Since supporting evidence is limited at this time, the clinical significance of this alteration remains unclear.